The following is an entry in ClinVar:

NM_001197104.2(KMT2A):c.9794T>A (p.Leu3265His)

Gene: KMT2A (lysine methyltransferase 2A; plus strand). Cytogenetic location: 11q23.3.
Variant type: single nucleotide variant.
Coding change: c.9794T>A on transcript NM_001197104.2 (MANE Select); coding-DNA position 9794, T replaced by A.
Protein change: p.Leu3265His; replaces leucine 3265 with histidine.
Molecular consequence: missense variant.
Genome position (GRCh38, 1-based): chr11:118,505,686, T>A. VCF-style: chr11-118505686-T-A. GRCh37 (hg19) VCF-style: chr11-118376401-T-A.
Other names: c.9884T>A, p.Leu3295His (NM_001412597.1); c.9785T>A, p.Leu3262His (NM_005933.4); short protein forms L3262H, L3265H, L3295H.
Identifiers: ClinVar variation 2430919 (VCV002430919.1), dbSNP rs2497022970, ClinGen allele CA382821768.
Genomic context (GRCh38, chr11:118,505,686, plus strand): 5'-ACATTGCCCCTTCTGATGTGGTTTCTAATATGACATTGATTAACTTCACACCCTCCCAGC[T>A]TCCTAATCATCCAAGTCTGTTAGATTTGGGGTCACTTAATACTTCATCTCACCGAACTGT-3'
Protein context (NP_001184033.1, residues 3255-3275): MTLINFTPSQ[Leu3265His]PNHPSLLDLG

ClinVar aggregate classification (germline): Uncertain significance (1 of 4 stars; one submission).

Submission:

GeneDx
Classification: Uncertain significance. Last evaluated: 2022-08-15. Review status: criteria provided, single submitter. Criteria: GeneDx Variant Classification Process June 2021. Collection method: clinical testing. Allele origin: germline. Affected: yes.
Comment: Not observed at significant frequency in large population cohorts (gnomAD); In silico analysis supports that this missense variant does not alter protein structure/function; Has not been previously published as pathogenic or benign to our knowledge